The following is an entry in ClinVar:

ClinVar aggregate classification (germline): Conflicting classifications of pathogenicity. Review status: criteria provided, conflicting classifications (1 of 4 stars). 2 submissions from 2 submitters: Pathogenic (1); Uncertain significance (1). Last evaluated 2025-09-12.

Conditions:
Primary ciliary dyskinesia. Also called: Ciliary dyskinesia. Identifiers: Orphanet 244, MedGen C0008780, MONDO:0016575, HP:0012265.

Allele frequency attached by ClinVar (database versions not stated): gnomAD exomes 0.00001; gnomAD 0.00003 and 0.00004.
gnomAD v4.1: 14 of 1,602,734 alleles (0.00087%); highest among the groups gnomAD compares: African/African-American, 0.0027%; no homozygotes.

Submissions (2):

GeneDx
Classification: Uncertain significance. Last evaluated: 2025-09-12. Review status: criteria provided, single submitter. Criteria: GeneDx Variant Classification Process June 2021. Collection method: clinical testing. Allele origin: germline. Affected: yes.
Comment: Canonical splice site variant predicted to result in an in-frame loss of the adjacent exon in a gene for which loss of function is a known mechanism of disease; Has not been previously published as pathogenic or benign to our knowledge

Labcorp Genetics (formerly Invitae), Labcorp
Classification: Pathogenic for Primary ciliary dyskinesia. Last evaluated: 2021-08-30. Review status: criteria provided, single submitter. Criteria: Invitae Variant Classification Sherloc (09022015). Collection method: clinical testing. Allele origin: germline.

NM_001277115.2(DNAH11):c.3765+1G>A

Gene: DNAH11 (dynein axonemal heavy chain 11; plus strand). Cytogenetic location: 7p15.3.
Variant type: single nucleotide variant.
Coding change: c.3765+1G>A on transcript NM_001277115.2 (MANE Select); the canonical splice donor site of the intron after coding-DNA position 3765, G replaced by A.
Molecular consequence: splice donor variant.
Genome position (GRCh38, 1-based): chr7:21,606,543, G>A. VCF-style: chr7-21606543-G-A. GRCh37 (hg19) VCF-style: chr7-21646161-G-A.
Identifiers: ClinVar variation 854164 (VCV000854164.6), dbSNP rs766759197, ClinGen allele CA155091284.
Genomic context (GRCh38, chr7:21,606,543, plus strand): 5'-GTCTCACCTCTCCATAATGCGGAAGTCACTCTTATAAGGAAAAAATGTATTTTGTTTGAC[G>A]TAAGCTAGTTACCAAGTTTTTGTTTTAAGAAAGGTTTTACTAGGATAATTGAAGTATTTG-3'